The following is an entry in ClinVar:

ClinVar aggregate classification (germline): Likely benign (1 of 4 stars; one submission).

Allele frequency attached by ClinVar (database versions not stated): 1000 Genomes Project 0.00020; 1000 Genomes Project 30x 0.00031; TOPMed 0.00061; gnomAD 0.00063; ESP Exome Variant Server 0.00069; gnomAD exomes 0.00075; ExAC 0.00091.
gnomAD v4.1: 1,253 of 1,614,070 alleles (0.078%); highest among the groups gnomAD compares: Middle Eastern, 1.8%; 10 homozygotes.

Submission:

CeGaT Center for Human Genetics Tuebingen
Classification: Likely benign. Last evaluated: 2022-05-01. Review status: criteria provided, single submitter. Criteria: CeGaT Center For Human Genetics Tuebingen Variant Classification Criteria Version 2. Collection method: clinical testing. Allele origin: germline. Affected: yes. Observed: 1 variant allele.
Comment: PZP: BP4, BP7

NM_002864.3(PZP):c.342G>A (p.Arg114=)

Genes: KLRG1 (killer cell lectin like receptor G1; plus strand), PZP (PZP alpha-2-macroglobulin like; minus strand). Cytogenetic location: 12p13.31.
Variant type: single nucleotide variant.
Coding change: c.342G>A on transcript NM_002864.3 (MANE Select); coding-DNA position 342, G replaced by A.
Protein change: p.Arg114=; no amino-acid change (arginine 114 retained).
Molecular consequence: synonymous variant.
Genome position (GRCh38, 1-based): chr12:9,202,610, C>T on the plus strand (G>A on the coding strand, the complement: PZP is on the minus strand). VCF-style: chr12-9202610-C-T. GRCh37 (hg19) VCF-style: chr12-9355206-C-T.
Identifiers: ClinVar variation 2642694 (VCV002642694.24), dbSNP rs140089121, ClinGen allele CA6440459.